The following is an entry in ClinVar:

ClinVar aggregate classification (germline): Pathogenic. Review status: criteria provided, multiple submitters, no conflicts (2 of 4 stars). 8 submissions from 8 submitters: Pathogenic (7). 1 of the submissions does not count toward it. Last evaluated 2025-07-30.

Conditions:
Gorham-Stout disease. Also called: Gorham disease; Osteolysis, Massive; Gorham's disease. Identifiers: Orphanet 73, MedGen C0029438, MONDO:0007414, OMIM 123880.
Capillary malformation-arteriovenous malformation syndrome. Also called: Capillary malformation-arteriovenous malformation. Identifiers: Orphanet 137667, MedGen C1842180, MONDO:0012016.
RASA1-related disorder. Also called: RASA1-related condition.
Capillary malformation-arteriovenous malformation 1 (CMAVM1). Identifiers: Orphanet 137667, Orphanet 693907, MedGen C4747394, MONDO:0020783, OMIM 608354.

Submissions (8):

Labcorp Genetics (formerly Invitae), Labcorp
Classification: Pathogenic for Capillary malformation-arteriovenous malformation syndrome. Last evaluated: 2025-07-30. Review status: criteria provided, single submitter. Criteria: Invitae Variant Classification Sherloc (09022015). Collection method: clinical testing. Allele origin: germline.
Comment: This sequence change creates a premature translational stop signal (p.Leu159Glyfs*20) in the RASA1 gene. It is expected to result in an absent or disrupted protein product. Loss-of-function variants in RASA1 are known to be pathogenic (PMID: 24038909). This variant is not present in population databases (gnomAD no frequency). This premature translational stop signal has been observed in individual(s) with clinical features of RASA1-related conditions (PMID: 14639529). It has also been observed to segregate with disease in related individuals. ClinVar contains an entry for this variant (Variation ID: 15999). For these reasons, this variant has been classified as Pathogenic.

PreventionGenetics, part of Exact Sciences
Classification: Pathogenic for RASA1-related condition. Last evaluated: 2025-03-18. Review status: criteria provided, single submitter. Criteria: ACMG Guidelines, 2015. Collection method: clinical testing. Allele origin: germline.
Comment: The RASA1 c.475_476delCT variant is predicted to result in a frameshift and premature protein termination (p.Leu159Glyfs*20). This variant was reported in an individual with Parkes Weber syndrome (Eerola et al. 2003. PubMed ID: 14639529), in patients with capillary malformation and arteriovenous malformation (Revencu et al. 2013. PubMed ID: 24038909; Patient 3 in Wooderchak-Donahue et al. 2018. PubMed ID: 29891884), and in a patient with a lymphatic disorder (Li et al. 2019. PubMed ID: 31263281). This variant has not been reported in a large population database, indicating this variant is rare. Frameshift variants in RASA1 are expected to be pathogenic. This variant is interpreted as pathogenic.

Clinical Genetics Laboratory, Skane University Hospital Lund
Classification: Pathogenic. Last evaluated: 2023-10-26. Review status: criteria provided, single submitter. Criteria: ACMG Guidelines, 2015. Collection method: clinical testing. Allele origin: germline. Affected: yes.

GeneDx
Classification: Pathogenic. Last evaluated: 2023-05-30. Review status: criteria provided, single submitter. Criteria: GeneDx Variant Classification Process June 2021. Collection method: clinical testing. Allele origin: germline. Affected: yes.
Comment: Frameshift variant predicted to result in protein truncation or nonsense mediated decay in a gene for which loss of function is a known mechanism of disease; Not observed at significant frequency in large population cohorts (gnomAD); This variant is associated with the following publications: (PMID: 14639529, 29891884, 31263281)

Blueprint Genetics
Classification: Pathogenic for RASA1-related disorders. Last evaluated: 2022-09-16. Review status: criteria provided, single submitter. Criteria: ACMG Guidelines, 2015. Collection method: clinical testing. Allele origin: germline. Affected: yes. Observed: 2 variant alleles.

Seattle Children's Hospital Molecular Genetics Laboratory, Seattle Children's Hospital
Classification: Pathogenic for 123880. Last evaluated: 2021-05-14. Review status: criteria provided, single submitter. Criteria: ACMG Guidelines, 2015. Collection method: clinical testing. Allele origin: germline. Affected: yes.
Comment: This sequence change deletes two nucleotides in exon 1 of the RASA1 mRNA, leading to a frameshift and insertion of a premature stop codon. This transcript is predicted to undergo nonsense mediated degradation, leading to RASA1 haploinsufficiency. This variant is absent from population databases and present in patient databases (ClinVar Allele ID: 31038). RASA1 c.475_476delCT has been reported in multiple individuals with capillary malformations and/or arteriovenous malformations (PMID: 14639529, PMID: 15917201, PMID: 29891884).

ARUP Laboratories, Molecular Genetics and Genomics, ARUP Laboratories
Classification: Pathogenic. Last evaluated: 2018-06-26. Review status: criteria provided, single submitter. Criteria: ARUP Molecular Germline Variant Investigation Process. Collection method: clinical testing. Allele origin: germline.
Comment: The RASA1 c.475_476delCT; p.Leu159fs variant (rs797044451), is reported in the literature in one family and two individuals affected with capillary malformations and/or arteriovenous malformations (Eerola 2003 and Revencu 2013). This variant is classified as pathogenic in ClinVar (Variation ID: 15999), and it is absent from general population databases (1000 Genomes Project, Exome Variant Server, and Genome Aggregation Database). This variant causes a frameshift by deleting two nucleotides, so it is predicted to result in a truncated protein or mRNA subject to nonsense-mediated decay. Truncating, loss-of-function variants in RASA1 are an established mechanism of disease. Therefore, based on available information, this variant is considered pathogenic.

OMIM
Classification: Pathogenic for CAPILLARY MALFORMATION-ARTERIOVENOUS MALFORMATION 1. Last evaluated: 2003-12-01. Review status: no assertion criteria provided. Collection method: literature only. Allele origin: germline. Not counted in ClinVar's aggregate classification.

Literature cited by the submitters: PubMed 24038909 (cited by Labcorp Genetics (formerly Invitae), Labcorp); PubMed 14639529 (cited by Labcorp Genetics (formerly Invitae), Labcorp and OMIM).

NM_002890.3(RASA1):c.475_476del (p.Leu159fs)

Gene: RASA1 (RAS p21 protein activator 1; plus strand). Cytogenetic location: 5q14.3.
Variant type: Microsatellite.
Coding change: c.475_476del on transcript NM_002890.3 (MANE Select); coding-DNA positions 475 to 476, 2 bases deleted (CT; older notation c.475_476delCT).
Protein change: p.Leu159fs; shifts the reading frame from leucine 159.
Molecular consequence: frameshift variant.
Genome position (GRCh38, 1-based): chr5:87,268,926-87,268,927, CT deleted; deleting any 2 consecutive bases within chr5:87,268,922-87,268,927 gives the same sequence; the c. name uses the placement nearest the transcript's 3' end. VCF-style (leftmost placement, unchanged base first): chr5-87268921-ACT-A. GRCh37 (hg19) VCF-style: chr5-86564738-ACT-A.
Other names: c.475_476delCT (NM_002890.2); c.475_476del (NM_002890.2); short protein forms L159fs.
Identifiers: ClinVar variation 15999 (VCV000015999.25), dbSNP rs797044451, ClinGen allele CA257405.